The following is an entry in ClinVar:

ClinVar aggregate classification (germline): Uncertain significance (1 of 4 stars; one submission).

Conditions:
Charcot-Marie-Tooth disease type 4. Also called: Charcot-Marie-Tooth disease, type IV; Charcot-Marie-Tooth, Type 4. Identifiers: Orphanet 64749, MedGen C4082197, MONDO:0018995.

Submission:

Labcorp Genetics (formerly Invitae), Labcorp
Classification: Uncertain significance for Charcot-Marie-Tooth disease type 4. Last evaluated: 2024-06-02. Review status: criteria provided, single submitter. Criteria: Invitae Variant Classification Sherloc (09022015). Collection method: clinical testing. Allele origin: germline.
Comment: This sequence change replaces phenylalanine, which is neutral and non-polar, with serine, which is neutral and polar, at codon 92 of the SH3TC2 protein (p.Phe92Ser). This variant is not present in population databases (gnomAD no frequency). This variant has not been reported in the literature in individuals affected with SH3TC2-related conditions. ClinVar contains an entry for this variant (Variation ID: 1387947). Advanced modeling of protein sequence and biophysical properties (such as structural, functional, and spatial information, amino acid conservation, physicochemical variation, residue mobility, and thermodynamic stability) has been performed at Invitae for this missense variant, however the output from this modeling did not meet the statistical confidence thresholds required to predict the impact of this variant on SH3TC2 protein function. In summary, the available evidence is currently insufficient to determine the role of this variant in disease. Therefore, it has been classified as a Variant of Uncertain Significance.

NM_024577.4(SH3TC2):c.275T>C (p.Phe92Ser)

Gene: SH3TC2 (SH3 domain and tetratricopeptide repeats 2; minus strand). Cytogenetic location: 5q32.
Variant type: single nucleotide variant.
Coding change: c.275T>C on transcript NM_024577.4 (MANE Select); coding-DNA position 275, T replaced by C.
Protein change: p.Phe92Ser; replaces phenylalanine 92 with serine.
Molecular consequence: missense variant.
Genome position (GRCh38, 1-based): chr5:149,047,866, A>G on the plus strand (T>C on the coding strand, the complement: SH3TC2 is on the minus strand). VCF-style: chr5-149047866-A-G. GRCh37 (hg19) VCF-style: chr5-148427429-A-G.
Other names: short protein forms F92S.
Identifiers: ClinVar variation 1387947 (VCV001387947.6), dbSNP rs2127402247, ClinGen allele CA361678457.
Genomic context (GRCh38, chr5:149,047,866, plus strand): 5'-TGTAGCAGACTGACACAAGTCAGTACTCAGCATTCACCTGTTTCCTTCATGCTCACCTTA[A>G]ACAGCATGCGCACCTCCTGGTCCTCATTCTCCAGTGCCCAGAGCCGCCTCCGAGCAGCTT-3'
Protein context (NP_078853.2, residues 82-102): ENEDQEVRML[Phe92Ser]KDLSARLVSI